The following is an entry in ClinVar:

ClinVar aggregate classification (germline): Benign (1 of 4 stars; one submission).

Allele frequency attached by ClinVar (database versions not stated): TOPMed 0.73257; 1000 Genomes Project 30x 0.74922; gnomAD 0.75659; 1000 Genomes Project 0.75759.
gnomAD v4.1: 114,262 of 152,128 alleles (75%); highest among the groups gnomAD compares: East Asian, 94%; 45,379 homozygotes.

Submission:

GeneDx
Classification: Benign. Last evaluated: 2018-06-14. Review status: criteria provided, single submitter. Criteria: GeneDx Variant Classification (06012015). Collection method: clinical testing. Allele origin: germline. Affected: yes.
Comment: This variant is considered likely benign or benign based on one or more of the following criteria: it is a conservative change, it occurs at a poorly conserved position in the protein, it is predicted to be benign by multiple in silico algorithms, and/or has population frequency not consistent with disease.

NM_032340.4(UQCC2):c.283+256C>A

Gene: UQCC2 (ubiquinol-cytochrome c reductase complex assembly factor 2; minus strand). Cytogenetic location: 6p21.31.
Variant type: single nucleotide variant.
Coding change: c.283+256C>A on transcript NM_032340.4 (MANE Select); 256 bases into the intron after coding-DNA position 283, C replaced by A.
Molecular consequence: intron variant.
Genome position (GRCh38, 1-based): chr6:33,700,188, G>T on the plus strand (C>A on the coding strand, the complement: UQCC2 is on the minus strand). VCF-style: chr6-33700188-G-T. GRCh37 (hg19) VCF-style: chr6-33667965-G-T.
Identifiers: ClinVar variation 669588 (VCV000669588.1), dbSNP rs594223, ClinGen allele CA12293612.